The following is an entry in ClinVar:

NM_014043.4(CHMP2B):c.554C>A (p.Ala185Asp)

Gene: CHMP2B (charged multivesicular body protein 2B; plus strand). Cytogenetic location: 3p11.2.
Variant type: single nucleotide variant.
Coding change: c.554C>A on transcript NM_014043.4 (MANE Select); coding-DNA position 554, C replaced by A.
Protein change: p.Ala185Asp; replaces alanine 185 with aspartic acid.
Molecular consequence: missense variant.
Genome position (GRCh38, 1-based): chr3:87,253,734, C>A. VCF-style: chr3-87253734-C-A. GRCh37 (hg19) VCF-style: chr3-87302884-C-A.
Other names: c.431C>A, p.Ala144Asp (NM_001244644.2); short protein forms A185D, A144D.
Identifiers: ClinVar variation 1512209 (VCV001512209.6), dbSNP rs2106917283, ClinGen allele CA353697749.

ClinVar aggregate classification (germline): Uncertain significance (1 of 4 stars; one submission).

Conditions:
Frontotemporal dementia and/or amyotrophic lateral sclerosis 7 (FTDALS7). Also called: CHMP2B-Related Frontotemporal Dementia-Amyotrophic Lateral Sclerosis; AMYOTROPHIC LATERAL SCLEROSIS, CHMP2B-RELATED; CHMP2B-related frontotemporal dementia; Amyotrophic lateral sclerosis 17. Identifiers: Orphanet 275864, Orphanet 282, Orphanet 803, MedGen C1833296, MONDO:0010936, OMIM 600795.

Submission:

Labcorp Genetics (formerly Invitae), Labcorp
Classification: Uncertain significance for Frontotemporal dementia and/or amyotrophic lateral sclerosis 7. Last evaluated: 2021-08-12. Review status: criteria provided, single submitter. Criteria: Invitae Variant Classification Sherloc (09022015). Collection method: clinical testing. Allele origin: germline.
Comment: This sequence change replaces alanine with aspartic acid at codon 185 of the CHMP2B protein (p.Ala185Asp). The alanine residue is moderately conserved and there is a moderate physicochemical difference between alanine and aspartic acid. This variant is not present in population databases (ExAC no frequency). This variant has not been reported in the literature in individuals affected with CHMP2B-related conditions. Algorithms developed to predict the effect of missense changes on protein structure and function (SIFT, PolyPhen-2, Align-GVGD) all suggest that this variant is likely to be tolerated. In summary, the available evidence is currently insufficient to determine the role of this variant in disease. Therefore, it has been classified as a Variant of Uncertain Significance.